The following is an entry in ClinVar:

NM_020800.3(IFT80):c.1913C>G (p.Ala638Gly)

Genes: IFT80 (intraflagellar transport 80; minus strand), TRIM59-IFT80 (TRIM59-IFT80 readthrough (NMD candidate); minus strand). Cytogenetic location: 3q25.33.
Variant type: single nucleotide variant.
Coding change: c.1913C>G on transcript NM_020800.3 (MANE Select); coding-DNA position 1913, C replaced by G.
Protein change: p.Ala638Gly; replaces alanine 638 with glycine.
Molecular consequence: missense variant. On other transcripts: non-coding transcript variant (3).
Genome position (GRCh38, 1-based): chr3:160,277,594, G>C on the plus strand (C>G on the coding strand, the complement: IFT80 is on the minus strand). VCF-style: chr3-160277594-G-C. GRCh37 (hg19) VCF-style: chr3-159995382-G-C.
Other names: c.1502C>G, p.Ala501Gly (NM_001190241.2, NM_001190242.2); short protein forms A501G, A638G.
Identifiers: ClinVar variation 1003086 (VCV001003086.8), dbSNP rs751685555, ClinGen allele CA86550243.

ClinVar aggregate classification (germline): Uncertain significance (1 of 4 stars; one submission).

Conditions:
Jeune thoracic dystrophy. Also called: Jeune syndrome; Infantile thoracic dystrophy; Thoracic pelvic phalangeal dystrophy; Jeune's syndrome; Chondroectodermal dysplasia-like syndrome; Short-rib thoracic dysplasia. Identifiers: Orphanet 474, MedGen C0265275, MONDO:0018770.

Allele frequency attached by ClinVar (database versions not stated): TOPMed below 0.00001.
gnomAD v4.1: 24 of 1,612,388 alleles (0.0015%); highest among the groups gnomAD compares: Non-Finnish European, 0.002%; no homozygotes.

Submission:

Labcorp Genetics (formerly Invitae), Labcorp
Classification: Uncertain significance for Jeune thoracic dystrophy. Last evaluated: 2021-01-08. Review status: criteria provided, single submitter. Criteria: Invitae Variant Classification Sherloc (09022015). Collection method: clinical testing. Allele origin: germline.
Comment: In summary, the available evidence is currently insufficient to determine the role of this variant in disease. Therefore, it has been classified as a Variant of Uncertain Significance. Algorithms developed to predict the effect of missense changes on protein structure and function are either unavailable or do not agree on the potential impact of this missense change (SIFT: "Deleterious"; PolyPhen-2: "Benign"; Align-GVGD: "Class C0"). This variant has not been reported in the literature in individuals with IFT80-related conditions. This variant is not present in population databases (ExAC no frequency). This sequence change replaces alanine with glycine at codon 638 of the IFT80 protein (p.Ala638Gly). The alanine residue is highly conserved and there is a small physicochemical difference between alanine and glycine.